The following is an entry in ClinVar:

NM_000077.5(CDKN2A):c.188T>C (p.Leu63Pro)

Gene: CDKN2A (cyclin dependent kinase inhibitor 2A; minus strand). Cytogenetic location: 9p21.3.
Variant type: single nucleotide variant.
Coding change: c.188T>C on transcript NM_000077.5; coding-DNA position 188, T replaced by C.
Protein change: p.Leu63Pro; replaces leucine 63 with proline.
Molecular consequence: missense variant (on NM_000077.6). On other transcripts: synonymous variant (1), 3 prime UTR variant (1).
Genome position (GRCh38, 1-based): chr9:21,971,171, A>G on the plus strand (T>C on the coding strand, the complement: CDKN2A is on the minus strand). VCF-style: chr9-21971171-A-G. GRCh37 (hg19) VCF-style: chr9-21971170-A-G.
Other names: c.188T>C, p.Leu63Pro (NM_000077.6, NM_001195132.2); c.35T>C, p.Leu12Pro (NM_001363763.2); c.231T>C, p.Ala77= (NM_058195.4); c.*111T>C (NM_058197.5); short protein forms L63P, L12P.
Identifiers: ClinVar variation 1367946 (VCV001367946.8), dbSNP rs2131096164, ClinGen allele CA373086375.

ClinVar aggregate classification (germline): Conflicting classifications of pathogenicity. Review status: criteria provided, conflicting classifications (1 of 4 stars). 2 submissions from 2 submitters: Pathogenic (1); Uncertain significance (1). Last evaluated 2023-06-24.

Conditions:
Familial melanoma. Also called: Hereditary melanoma; Hereditary cutaneous melanoma. Identifiers: Orphanet 618, MedGen C1512419, MONDO:0018961.
Hereditary cancer-predisposing syndrome. Also called: Hereditary neoplastic syndrome; Hereditary Cancer Syndrome; Tumor predisposition; Neoplastic Syndromes, Hereditary. Identifiers: Orphanet 140162, MedGen C0027672, MeSH D009386, MONDO:0015356.

Allele frequency attached by ClinVar (database versions not stated): gnomAD exomes below 0.00001.
gnomAD v4.1: 2 of 1,595,826 alleles (0.00013%); highest among the groups gnomAD compares: Non-Finnish European, 0.00017%; no homozygotes.

Submissions (2):

Labcorp Genetics (formerly Invitae), Labcorp
Classification: Uncertain significance for Familial melanoma. Last evaluated: 2023-06-24. Review status: criteria provided, single submitter. Criteria: Invitae Variant Classification Sherloc (09022015). Collection method: clinical testing. Allele origin: germline.
Comment: In summary, the available evidence is currently insufficient to determine the role of this variant in disease. Therefore, it has been classified as a Variant of Uncertain Significance. An algorithm developed to predict the effect of missense changes on protein structure and function (PolyPhen-2) suggests that this variant is likely to be disruptive. ClinVar contains an entry for this variant (Variation ID: 1367946). This missense change has been observed in individual(s) with melanoma (PMID: 16905682, 17047042). This variant is not present in population databases (gnomAD no frequency). This sequence change replaces leucine, which is neutral and non-polar, with proline, which is neutral and non-polar, at codon 63 of the CDKN2A (p16INK4a) protein (p.Leu63Pro).

Ambry Genetics
Classification: Pathogenic for Hereditary cancer-predisposing syndrome. Last evaluated: 2022-04-18. Review status: criteria provided, single submitter. Criteria: Ambry Variant Classification Scheme 2023. Collection method: clinical testing. Allele origin: germline.
Comment: The p.L63P pathogenic mutation (also known as c.188T>C), located in coding exon 2 of the CDKN2A gene, results from a T to C substitution at nucleotide position 188. The leucine at codon 63 is replaced by proline, an amino acid with similar properties. This alteration has been reported in a family with more than three patients with melanoma (Goldstein AM et al. J. Med. Genet. 2007 Feb;44:99-106; Harland M et al. Hered. Cancer Clin. Pract. 2014 Nov;12:20). This alteration has been observed in individuals who have a personal or family history that is consistent with CDKN2A-associated disease (Ambry internal data). Based on internal structural analysis, this variant is anticipated to result in a significant decrease in structural stability (Ambry internal data; Byeon IJ et al. Mol. Cell 1998 Feb;1(3):421-31). This amino acid position is highly conserved in available vertebrate species. In addition, this alteration is predicted to be deleterious by in silico analysis. Based on the supporting evidence, this alteration is interpreted as a disease-causing mutation.

Literature cited by the submitters: PubMed 16905682 (cited by Labcorp Genetics (formerly Invitae), Labcorp and Ambry Genetics); PubMed 17047042 (cited by Labcorp Genetics (formerly Invitae), Labcorp); PubMed 18257688 (cited by Ambry Genetics); PubMed 18445952 (cited by Ambry Genetics); PubMed 21610656 (cited by Ambry Genetics); PubMed 22364812 (cited by Ambry Genetics); PubMed 23687186 (cited by Ambry Genetics); PubMed 24012370 (cited by Ambry Genetics); PubMed 25780468 (cited by Ambry Genetics); PubMed 26062399 (cited by Ambry Genetics); PubMed 26489725 (cited by Ambry Genetics); PubMed 29110408 (cited by Ambry Genetics); PubMed 9660926 (cited by Ambry Genetics).